The following is an entry in ClinVar:

NC_000016.10:g.(89742939_89744958)_(89748768_89749729)del

Gene: FANCA (FA complementation group A; minus strand). Cytogenetic location: 16q24.3.
Variant type: Deletion.
Identifiers: ClinVar variation 974346 (VCV000974346.1).

ClinVar aggregate classification (germline): Pathogenic (0 of 4 stars; one submission).

Conditions:
Fanconi anemia complementation group A (FANCA). Also called: Fanconi anemia, group A; FANCA-Related Fanconi Anemia. Identifiers: Orphanet 84, MedGen C3469521, MONDO:0009215, OMIM 227650.

Submission:

Leiden Open Variation Database
Classification: Pathogenic for Fanconi anemia complementation group A. Last evaluated: 2020-02-28. Review status: no assertion criteria provided. Collection method: curation. Allele origin: germline. Affected: yes.
Comment: Curator: Arleen D. Auerbach. Submitter to LOVD: Sue Richards.